The following is an entry in ClinVar:

NM_000051.4(ATM):c.4070C>A (p.Ser1357Tyr)

Gene: ATM (ATM serine/threonine kinase; plus strand). Cytogenetic location: 11q22.3.
Variant type: single nucleotide variant.
Coding change: c.4070C>A on transcript NM_000051.4 (MANE Select); coding-DNA position 4070, C replaced by A.
Protein change: p.Ser1357Tyr; replaces serine 1357 with tyrosine.
Molecular consequence: missense variant.
Genome position (GRCh38, 1-based): chr11:108,287,676, C>A. VCF-style: chr11-108287676-C-A. GRCh37 (hg19) VCF-style: chr11-108158403-C-A.
Other names: c.4070C>A, p.Ser1357Tyr (NM_001351834.2); short protein forms S1357Y.
Identifiers: ClinVar variation 478986 (VCV000478986.10), dbSNP rs730881390, ClinGen allele CA382528164.
Genomic context (GRCh38, chr11:108,287,676, plus strand): 5'-TTAGTAATTTACCAGAGATTGTGGTGGAGTTATTGATGACGTTACATGAGCCAGCAAATT[C>A]TAGTGCCAGTCAGAGCACTGACCTCTGTGACTTTTCAGGGTATGTACATTTTAAACTTAG-3'
Protein context (NP_000042.3, residues 1347-1367): LLMTLHEPAN[Ser1357Tyr]SASQSTDLCD

ClinVar aggregate classification (germline): Uncertain significance. Review status: criteria provided, multiple submitters, no conflicts (2 of 4 stars). 3 submissions from 3 submitters: Uncertain significance (3). Last evaluated 2025-01-23.

Conditions:
Hereditary cancer-predisposing syndrome. Also called: Tumor predisposition; Neoplastic Syndromes, Hereditary; Hereditary Cancer Syndrome; Hereditary neoplastic syndrome. Identifiers: Orphanet 140162, MedGen C0027672, MeSH D009386, MONDO:0015356.
Ataxia-telangiectasia syndrome (AT). Also called: Cerebello-oculocutaneous telangiectasia; Immunodeficiency with ataxia telangiectasia; ATAXIA-TELANGIECTASIA, COMPLEMENTATION GROUP A; Ataxia-telangiectasia, complementation group D; AT, COMPLEMENTATION GROUP C; ATAXIA-TELANGIECTASIA, FRESNO VARIANT. Identifiers: Orphanet 100, MedGen C0004135, MONDO:0008840, OMIM 208900.

gnomAD v4.1: 1 of 1,613,758 alleles (0.000062%); no homozygotes.

Submissions (3):

Ambry Genetics
Classification: Uncertain significance for Hereditary cancer-predisposing syndrome. Last evaluated: 2025-01-23. Review status: criteria provided, single submitter. Criteria: Ambry Variant Classification Scheme 2023. Collection method: clinical testing. Allele origin: germline.
Comment: The p.S1357Y variant (also known as c.4070C>A), located in coding exon 26 of the ATM gene, results from a C to A substitution at nucleotide position 4070. The serine at codon 1357 is replaced by tyrosine, an amino acid with dissimilar properties. This amino acid position is not well conserved in available vertebrate species. In addition, this alteration is predicted to be tolerated by in silico analysis. Based on the available evidence, the clinical significance of this variant remains unclear.

Labcorp Genetics (formerly Invitae), Labcorp
Classification: Uncertain significance for Ataxia-telangiectasia syndrome. Last evaluated: 2023-11-27. Review status: criteria provided, single submitter. Criteria: Invitae Variant Classification Sherloc (09022015). Collection method: clinical testing. Allele origin: germline.
Comment: This sequence change replaces serine, which is neutral and polar, with tyrosine, which is neutral and polar, at codon 1357 of the ATM protein (p.Ser1357Tyr). This variant is not present in population databases (gnomAD no frequency). This variant has not been reported in the literature in individuals affected with ATM-related conditions. ClinVar contains an entry for this variant (Variation ID: 478986). An algorithm developed to predict the effect of missense changes on protein structure and function (PolyPhen-2) suggests that this variant is likely to be tolerated. In summary, the available evidence is currently insufficient to determine the role of this variant in disease. Therefore, it has been classified as a Variant of Uncertain Significance.

Athena Diagnostics
Classification: Uncertain significance. Last evaluated: 2020-01-15. Review status: criteria provided, single submitter. Criteria: Athena Diagnostics Criteria. Collection method: clinical testing. Allele origin: unknown.